The following is an entry in ClinVar:

NM_001370298.3(FGD4):c.167-29695del

Gene: FGD4 (FYVE, RhoGEF and PH domain containing 4; plus strand). Cytogenetic location: 12p11.21.
Variant type: Deletion.
Coding change: c.167-29695del on transcript NM_001370298.3 (MANE Select); 29695 bases into the intron before coding-DNA position 167, one base deleted (T; older notation c.167-29695delT).
Molecular consequence: intron variant. On other transcripts: 5 prime UTR variant (4).
Genome position (GRCh38, 1-based): chr12:32,534,442, T deleted; the last of 5 consecutive T bases (chr12:32,534,438-32,534,442); deleting any one gives the same sequence. VCF-style (leftmost placement, unchanged base first): chr12-32534437-CT-C. GRCh37 (hg19) VCF-style: chr12-32687371-CT-C.
Other names: NM_001304480.1:c.35delT; c.-302del (NM_001384128.1, NM_001384132.1, NM_001385118.1); c.-397del (NM_001384130.1); c.167-29695del (NM_001384126.1); c.11-29695del (NM_001304481.2); c.-340-29695del (NM_001330374.2, NM_001330373.2); c.-245-29695del (NM_139241.3, NM_001384127.1, NM_001384131.1); c.-1396-29695del (NM_001304484.2); and 2 more.
Identifiers: ClinVar variation 4977778 (VCV004977778.1).

ClinVar aggregate classification (germline): Uncertain significance (1 of 4 stars; one submission).

Conditions:
FGD4-related disorder. Also called: FGD4-related condition.

Submission:

PreventionGenetics, part of Exact Sciences
Classification: Uncertain significance for FGD4-related condition. Last evaluated: 2025-08-06. Review status: criteria provided, single submitter. Criteria: ACMG Guidelines, 2015. Collection method: clinical testing. Allele origin: germline.
Comment: The FGD4 c.35delT variant is predicted to result in a frameshift and premature protein termination (p.Leu12Tyrfs*2). Of note, this variant can also be referred to as c.-245-29695delT (pre-coding) with the more commonly reported isoform, NM_139241. To our knowledge, this variant has not been reported in the literature. This variant is reported in 0.027% of alleles in individuals of African descent in gnomAD. At this time, the clinical significance of this variant is uncertain due to the absence of conclusive functional and genetic evidence.